The following is an entry in ClinVar:

NM_004525.3(LRP2):c.10756C>T (p.Arg3586Cys)

Gene: LRP2 (LDL receptor related protein 2; minus strand). Cytogenetic location: 2q31.1.
Variant type: single nucleotide variant.
Coding change: c.10756C>T on transcript NM_004525.3 (MANE Select); coding-DNA position 10756, C replaced by T.
Protein change: p.Arg3586Cys; replaces arginine 3586 with cysteine.
Molecular consequence: missense variant.
Genome position (GRCh38, 1-based): chr2:169,175,205, G>A on the plus strand (C>T on the coding strand, the complement: LRP2 is on the minus strand). VCF-style: chr2-169175205-G-A. GRCh37 (hg19) VCF-style: chr2-170031715-G-A.
Other names: short protein forms R3586C.
Identifiers: ClinVar variation 2060305 (VCV002060305.4), dbSNP rs771998836, ClinGen allele CA1953263.

ClinVar aggregate classification (germline): Uncertain significance (1 of 4 stars; one submission).

Allele frequency attached by ClinVar (database versions not stated): ExAC 0.00001; gnomAD 0.00001; TOPMed 0.00002.
gnomAD v4.1: 5 of 1,613,942 alleles (0.00031%); highest among the groups gnomAD compares: Non-Finnish European, 0.00042%; no homozygotes.

Submission:

Labcorp Genetics (formerly Invitae), Labcorp
Classification: Uncertain significance. Last evaluated: 2022-03-13. Review status: criteria provided, single submitter. Criteria: Invitae Variant Classification Sherloc (09022015). Collection method: clinical testing. Allele origin: germline.
Comment: In summary, the available evidence is currently insufficient to determine the role of this variant in disease. Therefore, it has been classified as a Variant of Uncertain Significance. Advanced modeling of protein sequence and biophysical properties (such as structural, functional, and spatial information, amino acid conservation, physicochemical variation, residue mobility, and thermodynamic stability) performed at Invitae indicates that this missense variant is not expected to disrupt LRP2 protein function. This variant has not been reported in the literature in individuals affected with LRP2-related conditions. This variant is present in population databases (rs771998836, gnomAD 0.003%). This sequence change replaces arginine, which is basic and polar, with cysteine, which is neutral and slightly polar, at codon 3586 of the LRP2 protein (p.Arg3586Cys).